The following is an entry in ClinVar:

NM_153240.5(NPHP3):c.394-4C>A

Genes: NPHP3 (nephrocystin 3; minus strand), NPHP3-ACAD11 (NPHP3-ACAD11 readthrough (NMD candidate); minus strand). Cytogenetic location: 3q22.1.
Variant type: single nucleotide variant.
Coding change: c.394-4C>A on transcript NM_153240.5 (MANE Select); 4 bases into the intron before coding-DNA position 394, C replaced by A.
Molecular consequence: intron variant.
Genome position (GRCh38, 1-based): chr3:132,719,834, G>T on the plus strand (C>A on the coding strand, the complement: NPHP3 is on the minus strand). VCF-style: chr3-132719834-G-T. GRCh37 (hg19) VCF-style: chr3-132438678-G-T.
Identifiers: ClinVar variation 3058509 (VCV003058509.2), dbSNP rs765127724, ClinGen allele CA2667741091.

ClinVar aggregate classification (germline): Likely benign (0 of 4 stars; one submission).

Conditions:
NPHP3-related disorder. Also called: NPHP3-related disorders; NPHP3-related condition. Identifiers: MedGen CN379163.

Submission:

PreventionGenetics, part of Exact Sciences
Classification: Likely benign for NPHP3-related condition. Last evaluated: 2021-06-03. Review status: no assertion criteria provided. Collection method: clinical testing. Allele origin: germline.
Comment: This variant is classified as likely benign based on ACMG/AMP sequence variant interpretation guidelines (Richards et al. 2015 PMID: 25741868, with internal and published modifications).